The following is an entry in ClinVar:

ClinVar aggregate classification (germline): Uncertain significance (1 of 4 stars; one submission).

gnomAD v4.1: 1 of 1,608,154 alleles (0.000062%); highest among the groups gnomAD compares: Admixed American, 0.0017%; no homozygotes.

Submission:

Labcorp Genetics (formerly Invitae), Labcorp
Classification: Uncertain significance. Last evaluated: 2024-08-15. Review status: criteria provided, single submitter. Criteria: Invitae Variant Classification Sherloc (09022015). Collection method: clinical testing. Allele origin: germline.
Comment: This sequence change replaces glutamic acid, which is acidic and polar, with glutamine, which is neutral and polar, at codon 198 of the ASXL1 protein (p.Glu198Gln). This variant is present in population databases (no rsID available, gnomAD 0.003%). This variant has not been reported in the literature in individuals affected with ASXL1-related conditions. An algorithm developed to predict the effect of missense changes on protein structure and function (PolyPhen-2) suggests that this variant is likely to be disruptive. In summary, the available evidence is currently insufficient to determine the role of this variant in disease. Therefore, it has been classified as a Variant of Uncertain Significance.

NM_015338.6(ASXL1):c.592G>C (p.Glu198Gln)

Gene: ASXL1 (ASXL transcriptional regulator 1; plus strand). Cytogenetic location: 20q11.21.
Variant type: single nucleotide variant.
Coding change: c.592G>C on transcript NM_015338.6 (MANE Select); coding-DNA position 592, G replaced by C.
Protein change: p.Glu198Gln; replaces glutamic acid 198 with glutamine.
Molecular consequence: missense variant. On other transcripts: intron variant (1).
Genome position (GRCh38, 1-based): chr20:32,429,927, G>C. VCF-style: chr20-32429927-G-C. GRCh37 (hg19) VCF-style: chr20-31017730-G-C.
Other names: c.535+496G>C (NM_001363734.1); short protein forms E198Q.
Identifiers: ClinVar variation 3615050 (VCV003615050.2).